The following is an entry in ClinVar:

ClinVar aggregate classification (germline): Uncertain significance. Review status: criteria provided, multiple submitters, no conflicts (2 of 4 stars). 4 submissions from 4 submitters: Uncertain significance (4). Last evaluated 2025-10-15.

Conditions:
Inborn genetic diseases. Identifiers: MedGen C0950123, MeSH D030342.

Allele frequency attached by ClinVar (database versions not stated): gnomAD exomes 0.00001; ExAC 0.00002; gnomAD 0.00002 and 0.00003; TOPMed 0.00003; 1000 Genomes Project 30x 0.00031.
gnomAD v4.1: 17 of 1,612,672 alleles (0.0011%); highest among the groups gnomAD compares: East Asian, 0.0022%; no homozygotes.

Submissions (4):

Ambry Genetics
Classification: Uncertain significance for Inborn genetic diseases. Last evaluated: 2025-10-15. Review status: criteria provided, single submitter. Criteria: Ambry Variant Classification Scheme 2023. Collection method: clinical testing. Allele origin: germline.

Labcorp Genetics (formerly Invitae), Labcorp
Classification: Uncertain significance. Last evaluated: 2024-02-20. Review status: criteria provided, single submitter. Criteria: Invitae Variant Classification Sherloc (09022015). Collection method: clinical testing. Allele origin: germline.
Comment: This sequence change replaces glycine, which is neutral and non-polar, with arginine, which is basic and polar, at codon 608 of the DLL1 protein (p.Gly608Arg). This variant is present in population databases (rs771135690, gnomAD 0.006%). This variant has not been reported in the literature in individuals affected with DLL1-related conditions. ClinVar contains an entry for this variant (Variation ID: 1676052). An algorithm developed to predict the effect of missense changes on protein structure and function (PolyPhen-2) suggests that this variant is likely to be disruptive. In summary, the available evidence is currently insufficient to determine the role of this variant in disease. Therefore, it has been classified as a Variant of Uncertain Significance.

Women's Health and Genetics/Laboratory Corporation of America, LabCorp
Classification: Uncertain significance. Last evaluated: 2024-01-25. Review status: criteria provided, single submitter. Criteria: LabCorp Variant Classification Summary - May 2015. Collection method: clinical testing. Allele origin: germline.
Comment: Variant summary: DLL1 c.1822G>A (p.Gly608Arg) results in a non-conservative amino acid change in the encoded protein sequence. Four of five in-silico tools predict a damaging effect of the variant on protein function. The variant allele was found at a frequency of 1.2e-05 in 250170 control chromosomes. The available data on variant occurrences in the general population are insufficient to allow any conclusion about variant significance. To our knowledge, no occurrence of c.1822G>A in individuals affected with Neurodevelopmental Disorder With Nonspecific Brain Abnormalities And With Or Without Seizures and no experimental evidence demonstrating its impact on protein function have been reported. ClinVar contains an entry for this variant (Variation ID: 1676052). Based on the evidence outlined above, the variant was classified as uncertain significance.

CeGaT Center for Human Genetics Tuebingen
Classification: Uncertain significance. Last evaluated: 2022-03-01. Review status: criteria provided, single submitter. Criteria: CeGaT Center For Human Genetics Tuebingen Variant Classification Criteria Version 2. Collection method: clinical testing. Allele origin: germline. Affected: yes. Observed: 1 variant allele.
Comment: DLL1: PS2:Supporting

NM_005618.4(DLL1):c.1822G>A (p.Gly608Arg)

Gene: DLL1 (delta like canonical Notch ligand 1; minus strand). Cytogenetic location: 6q27.
Variant type: single nucleotide variant.
Coding change: c.1822G>A on transcript NM_005618.4 (MANE Select); coding-DNA position 1822, G replaced by A.
Protein change: p.Gly608Arg; replaces glycine 608 with arginine.
Molecular consequence: missense variant.
Genome position (GRCh38, 1-based): chr6:170,283,457, C>T on the plus strand (G>A on the coding strand, the complement: DLL1 is on the minus strand). VCF-style: chr6-170283457-C-T. GRCh37 (hg19) VCF-style: chr6-170592545-C-T.
Other names: c.1822G>A (NM_005618.3); short protein forms G608R.
Identifiers: ClinVar variation 1676052 (VCV001676052.37), dbSNP rs771135690, ClinGen allele CA4106715.